The following is an entry in ClinVar:

ClinVar aggregate classification (germline): Uncertain significance (1 of 4 stars; one submission).

Conditions:
Polyglucosan body myopathy type 2. Identifiers: Orphanet 456369, MedGen C4015452, MONDO:0014526, OMIM 616199.
Glycogen storage disease XV (GSD15). Also called: GLYCOGENIN DEFICIENCY; GSD XV. Identifiers: Orphanet 263297, MedGen C3150754, MONDO:0013291, OMIM 613507.

gnomAD v4.1: 10 of 1,610,048 alleles (0.00062%); highest among the groups gnomAD compares: Non-Finnish European, 0.00085%; no homozygotes.

Submission:

Labcorp Genetics (formerly Invitae), Labcorp
Classification: Uncertain significance for Polyglucosan body myopathy type 2; Glycogen storage disease XV. Last evaluated: 2022-04-23. Review status: criteria provided, single submitter. Criteria: Invitae Variant Classification Sherloc (09022015). Collection method: clinical testing. Allele origin: germline.
Comment: This sequence change replaces glycine, which is neutral and non-polar, with aspartic acid, which is acidic and polar, at codon 161 of the GYG1 protein (p.Gly161Asp). This variant is present in population databases (no rsID available, gnomAD 0.0009%). This variant has not been reported in the literature in individuals affected with GYG1-related conditions. Algorithms developed to predict the effect of missense changes on protein structure and function (SIFT, PolyPhen-2, Align-GVGD) all suggest that this variant is likely to be disruptive. In summary, the available evidence is currently insufficient to determine the role of this variant in disease. Therefore, it has been classified as a Variant of Uncertain Significance.

NM_004130.4(GYG1):c.482G>A (p.Gly161Asp)

Gene: GYG1 (glycogenin 1; plus strand). Cytogenetic location: 3q24.
Variant type: single nucleotide variant.
Coding change: c.482G>A on transcript NM_004130.4 (MANE Select); coding-DNA position 482, G replaced by A.
Protein change: p.Gly161Asp; replaces glycine 161 with aspartic acid.
Molecular consequence: missense variant.
Genome position (GRCh38, 1-based): chr3:149,009,276, G>A. VCF-style: chr3-149009276-G-A. GRCh37 (hg19) VCF-style: chr3-148727063-G-A.
Other names: c.482G>A, p.Gly161Asp (NM_001184720.2, NM_001184721.2); short protein forms G161D.
Identifiers: ClinVar variation 2172764 (VCV002172764.1), dbSNP rs1363319169, ClinGen allele CA354904838.